The following is an entry in ClinVar:

ClinVar aggregate classification (germline): Uncertain significance. Review status: criteria provided, multiple submitters, no conflicts (2 of 4 stars). 2 submissions from 2 submitters: Uncertain significance (2). Last evaluated 2022-06-15.

Conditions:
Inborn genetic diseases. Identifiers: MedGen C0950123, MeSH D030342.
Autosomal dominant Parkinson disease 8. Also called: LRRK2-Related Parkinson Disease; Parkinson disease 8; Parkinson disease 8, susceptibility to. Identifiers: Orphanet 411602, MedGen C1846862, MONDO:0011764, OMIM 607060.

Allele frequency attached by ClinVar (database versions not stated): gnomAD exomes below 0.00001.
gnomAD v4.1: 2 of 1,614,032 alleles (0.00012%); highest among the groups gnomAD compares: Non-Finnish European, 0.00017%; no homozygotes.

Submissions (2):

Ambry Genetics
Classification: Uncertain significance for Inborn genetic diseases. Last evaluated: 2022-06-15. Review status: criteria provided, single submitter. Criteria: Ambry Variant Classification Scheme 2023. Collection method: clinical testing. Allele origin: germline.
Comment: The p.I786T variant (also known as c.2357T>C), located in coding exon 19 of the LRRK2 gene, results from a T to C substitution at nucleotide position 2357. The isoleucine at codon 786 is replaced by threonine, an amino acid with similar properties. This amino acid position is conserved. In addition, this alteration is predicted to be tolerated by in silico analysis. Since supporting evidence is limited at this time, the clinical significance of this alteration remains unclear.

Labcorp Genetics (formerly Invitae), Labcorp
Classification: Uncertain significance for Autosomal dominant Parkinson disease 8. Last evaluated: 2018-09-07. Review status: criteria provided, single submitter. Criteria: Invitae Variant Classification Sherloc (09022015). Collection method: clinical testing. Allele origin: germline.
Comment: In summary, the available evidence is currently insufficient to determine the role of this variant in disease. Therefore, it has been classified as a Variant of Uncertain Significance. Algorithms developed to predict the effect of missense changes on protein structure and function output the following: SIFT: "Tolerated"; PolyPhen-2: "Benign"; Align-GVGD: "Class C0". The threonine amino acid residue is found in multiple mammalian species, suggesting that this missense change does not adversely affect protein function. These predictions have not been confirmed by published functional studies and their clinical significance is uncertain. This variant has not been reported in the literature in individuals with LRRK2-related disease. This variant is not present in population databases (ExAC no frequency). This sequence change replaces isoleucine with threonine at codon 786 of the LRRK2 protein (p.Ile786Thr). The isoleucine residue is moderately conserved and there is a moderate physicochemical difference between isoleucine and threonine.

NM_198578.4(LRRK2):c.2357T>C (p.Ile786Thr)

Gene: LRRK2 (leucine rich repeat kinase 2; plus strand). Cytogenetic location: 12q12.
Variant type: single nucleotide variant.
Coding change: c.2357T>C on transcript NM_198578.4 (MANE Select); coding-DNA position 2357, T replaced by C.
Protein change: p.Ile786Thr; replaces isoleucine 786 with threonine.
Molecular consequence: missense variant.
Genome position (GRCh38, 1-based): chr12:40,283,990, T>C. VCF-style: chr12-40283990-T-C. GRCh37 (hg19) VCF-style: chr12-40677792-T-C.
Other names: short protein forms I786T.
Identifiers: ClinVar variation 661611 (VCV000661611.10), dbSNP rs1592220766, ClinGen allele CA384406676.